The following is an entry in ClinVar:

ClinVar aggregate classification (germline): Uncertain significance (1 of 4 stars; one submission).

Allele frequency attached by ClinVar (database versions not stated): TOPMed 0.00001.
gnomAD v4.1: 3 of 1,599,940 alleles (0.00019%); highest among the groups gnomAD compares: Admixed American, 0.0017%; no homozygotes.

Submission:

Labcorp Genetics (formerly Invitae), Labcorp
Classification: Uncertain significance. Last evaluated: 2019-11-11. Review status: criteria provided, single submitter. Criteria: Invitae Variant Classification Sherloc (09022015). Collection method: clinical testing. Allele origin: germline.
Comment: This variant is not present in population databases (ExAC no frequency). This sequence change replaces proline with threonine at codon 1035 of the KIAA1549 protein (p.Pro1035Thr). The proline residue is highly conserved and there is a small physicochemical difference between proline and threonine. This variant has not been reported in the literature in individuals with KIAA1549-related conditions. Algorithms developed to predict the effect of missense changes on protein structure and function are either unavailable or do not agree on the potential impact of this missense change (SIFT: "Deleterious"; PolyPhen-2: "Probably Damaging"; Align-GVGD: "Class C0"). In summary, the available evidence is currently insufficient to determine the role of this variant in disease. Therefore, it has been classified as a Variant of Uncertain Significance.

NM_001164665.2(KIAA1549):c.3103C>A (p.Pro1035Thr)

Gene: KIAA1549 (KIAA1549; minus strand). Cytogenetic location: 7q34.
Variant type: single nucleotide variant.
Coding change: c.3103C>A on transcript NM_001164665.2 (MANE Select); coding-DNA position 3103, C replaced by A.
Protein change: p.Pro1035Thr; replaces proline 1035 with threonine.
Molecular consequence: missense variant.
Genome position (GRCh38, 1-based): chr7:138,911,188, G>T on the plus strand (C>A on the coding strand, the complement: KIAA1549 is on the minus strand). VCF-style: chr7-138911188-G-T. GRCh37 (hg19) VCF-style: chr7-138595934-G-T.
Other names: c.3103C>A, p.Pro1035Thr (NM_020910.3); short protein forms P1035T.
Identifiers: ClinVar variation 962682 (VCV000962682.9), dbSNP rs1812160468, ClinGen allele CA369388677.
Genomic context (GRCh38, chr7:138,911,188, plus strand): 5'-TATGCTGAGCTGTCTCACCTGTTTGAACTTGGAACCTGGACTCTGGCACAAGGAAAGAAG[G>T]TTTCACAGACAGGATTAAAGGAGTCTGGTCACGGACAAGCTTACTGTTTATAAGCACATT-3'
Protein context (NP_001158137.1, residues 1025-1045): DQTPLILSVK[Pro1035Thr]SFLVPESRFQ